The following is an entry in ClinVar:

NM_144687.4(NLRP12):c.3073C>G (p.Pro1025Ala)

Gene: NLRP12 (NLR family pyrin domain containing 12; minus strand). Cytogenetic location: 19q13.42.
Variant type: single nucleotide variant.
Coding change: c.3073C>G on transcript NM_144687.4 (MANE Select); coding-DNA position 3073, C replaced by G.
Protein change: p.Pro1025Ala; replaces proline 1025 with alanine.
Molecular consequence: missense variant.
Genome position (GRCh38, 1-based): chr19:53,795,884, G>C on the plus strand (C>G on the coding strand, the complement: NLRP12 is on the minus strand). VCF-style: chr19-53795884-G-C. GRCh37 (hg19) VCF-style: chr19-54299138-G-C.
Other names: c.3076C>G, p.Pro1026Ala (NM_001277126.2); c.2902C>G, p.Pro968Ala (NM_001277129.1); short protein forms P1025A, P1026A, P968A.
Identifiers: ClinVar variation 4701036 (VCV004701036.1).
Genomic context (GRCh38, chr19:53,795,884, plus strand): 5'-GCCTCCTCCAGAAAGAACTGGTCATCATCCCTCACCAGAGGACTCGGAGTTTGCAGCCAG[G>C]ATGGCTCAGCCGCTTGCAAAGCAGTCGGACACCTGTGTCCCCTAGGGCGTTGTTGGTCAG-3'
Protein context (NP_653288.1, residues 1015-1035): VRLLCKRLSH[Pro1025Ala]GCKLRVLWLF

ClinVar aggregate classification (germline): Uncertain significance (1 of 4 stars; one submission).

Conditions:
Familial cold autoinflammatory syndrome 2 (FCAS2). Identifiers: Orphanet 247868, MedGen C2673198, MONDO:0012724, OMIM 611762.

gnomAD v4.1: 7 of 1,614,150 alleles (0.00043%); highest among the groups gnomAD compares: Non-Finnish European, 0.00059%; no homozygotes.

Submission:

Labcorp Genetics (formerly Invitae), Labcorp
Classification: Uncertain significance for Familial cold autoinflammatory syndrome 2. Last evaluated: 2025-07-30. Review status: criteria provided, single submitter. Criteria: Invitae Variant Classification Sherloc (09022015). Collection method: clinical testing. Allele origin: germline.
Comment: This sequence change replaces proline, which is neutral and non-polar, with alanine, which is neutral and non-polar, at codon 1025 of the NLRP12 protein (p.Pro1025Ala). This variant is present in population databases (rs749662133, gnomAD 0.002%). This variant has not been reported in the literature in individuals affected with NLRP12-related conditions. An algorithm developed to predict the effect of missense changes on protein structure and function outputs the following: PolyPhen-2: "Not Available". The alanine amino acid residue is found in multiple mammalian species, which suggests that this missense change does not adversely affect protein function. In summary, the available evidence is currently insufficient to determine the role of this variant in disease. Therefore, it has been classified as a Variant of Uncertain Significance.